The following is an entry in ClinVar:

ClinVar aggregate classification (germline): Pathogenic. Review status: criteria provided, multiple submitters, no conflicts (2 of 4 stars). 3 submissions from 3 submitters: Pathogenic (3). Last evaluated 2025-10-15.

Conditions:
Neuromuscular disease caused by qualitative or quantitative defects of dysferlin. Also called: Dysferlinopathy; Qualitative or quantitative defects of dysferlin. Identifiers: Orphanet 207073, MedGen C2931687, MONDO:0016145.
Autosomal recessive limb-girdle muscular dystrophy type 2B (LGMDR2). Also called: MUSCULAR DYSTROPHY, LIMB-GIRDLE, TYPE 3; Limb-girdle muscular dystrophy, type 2B; MUSCULAR DYSTROPHY, LIMB-GIRDLE, AUTOSOMAL RECESSIVE 2; Limb-Girdle Muscular Dystrophy Type 2B (LGMD2B). Identifiers: Orphanet 268, MedGen C1850889, MONDO:0009676, OMIM 253601.

Submissions (3):

Variantyx, Inc.
Classification: Pathogenic for Autosomal recessive limb-girdle muscular dystrophy type 2B. Last evaluated: 2025-10-15. Review status: criteria provided, single submitter. Criteria: Variantyx Assertion Criteria 2022. Collection method: clinical testing. Allele origin: germline. Inheritance: Autosomal recessive inheritance. Affected: no.
Comment: This is a frameshift variant in the DYSF gene (OMIM: 603009). Pathogenic variants in this gene have been associated with autosomal recessive limb-girdle muscular dystrophy 2. This variant introduces a premature termination codon in exon 11 out of 56 and is expected to result in loss of function, which is a known disease mechanism for DYSF in this disorder (PMID: 17698709, 20301480) (PVS1). ]]It has been reported in the homozygous or compound heterozygous state in at least one affected individual (PMID: 33610434, 19594366) (PM3), while it is absent from control populations (PM2). Based on the current evidence, this variant is classified as pathogenic for autosomal recessive limb-girdle muscular dystrophy 2.

GeneDx
Classification: Pathogenic. Last evaluated: 2024-07-25. Review status: criteria provided, single submitter. Criteria: GeneDx Variant Classification Process June 2021. Collection method: clinical testing. Allele origin: germline. Affected: yes.
Comment: Observed second variant in a patient with dysferlinopathy, but it is not known whether the variants occurred on the same (in cis) or on different (in trans) chromosomes (PMID: 33610434); Frameshift variant predicted to result in protein truncation or nonsense mediated decay in a gene for which loss of function is a known mechanism of disease; Not observed at significant frequency in large population cohorts (gnomAD); This variant is associated with the following publications: (PMID: 18853459, 33610434)

Labcorp Genetics (formerly Invitae), Labcorp
Classification: Pathogenic for Neuromuscular disease caused by qualitative or quantitative defects of dysferlin. Last evaluated: 2023-05-19. Review status: criteria provided, single submitter. Criteria: Invitae Variant Classification Sherloc (09022015). Collection method: clinical testing. Allele origin: germline.
Comment: For these reasons, this variant has been classified as Pathogenic. This premature translational stop signal has been observed in individual(s) with Miyoshi myopathy (PMID: 33610434). This variant is not present in population databases (gnomAD no frequency). This sequence change creates a premature translational stop signal (p.Asp295Glyfs*45) in the DYSF gene. It is expected to result in an absent or disrupted protein product. Loss-of-function variants in DYSF are known to be pathogenic (PMID: 17698709, 20301480).

Literature cited by the submitters: PubMed 33610434 (cited by Variantyx, Inc. and Labcorp Genetics (formerly Invitae), Labcorp); PubMed 19594366 (cited by Variantyx, Inc.); PubMed 17698709 (cited by Labcorp Genetics (formerly Invitae), Labcorp); PubMed 20301480 (cited by Labcorp Genetics (formerly Invitae), Labcorp).

NM_001130987.2(DYSF):c.975_979dup (p.Asp327fs)

Gene: DYSF (dysferlin; plus strand). Cytogenetic location: 2p13.2.
Variant type: Duplication.
Coding change: c.975_979dup on transcript NM_001130987.2 (MANE Select); coding-DNA positions 975 to 979, 5 bases duplicated (GACAG; older notation c.975_979dupGACAG).
Protein change: p.Asp327fs; shifts the reading frame from aspartic acid 327.
Molecular consequence: frameshift variant.
Genome position (GRCh38, 1-based): chr2:71,517,012-71,517,016, GACAG duplicated; duplicating any 5 consecutive bases within chr2:71,517,009-71,517,016 gives the same sequence; the c. name uses the placement nearest the transcript's 3' end. VCF-style (leftmost placement, unchanged base first): chr2-71517008-T-TCAGGA. GRCh37 (hg19) VCF-style: chr2-71744138-T-TCAGGA.
Other names: c.879_883dup (NM_003494.3); c.882_886dup, p.Asp296fs (NM_001130455.2, NM_001130983.2, NM_001130984.2 and 1 more transcripts); c.879_883dup, p.Asp295fs (NM_001130976.2, NM_001130977.2, NM_001130978.2 and 1 more transcripts); c.972_976dup, p.Asp326fs (NM_001130979.2, NM_001130980.2, NM_001130981.2); c.975_979dup, p.Asp327fs (NM_001130982.2, NM_001130985.2); short protein forms D327fs, D295fs, D326fs, D296fs.
Identifiers: ClinVar variation 2734211 (VCV002734211.5), dbSNP rs2545427768, ClinGen allele CA2586964939.
Genomic context (GRCh38, chr2:71,517,008, plus strand): 5'-TGTTCCCTGTGAATGTGAGTTTCCATGATCTTTCTCTGCAGGTGGTAGACTCTCGTTCTC[T>TCAGGA]CAGGACAGATGCTCTCCTCGGGGAGTTCCGGGTAATTGCTTATTTTCTATGAAAGCAGTC-3'